The following is an entry in ClinVar:

NM_017433.5(MYO3A):c.2513A>C (p.Tyr838Ser)

Gene: MYO3A (myosin IIIA; plus strand). Cytogenetic location: 10p12.1.
Variant type: single nucleotide variant.
Coding change: c.2513A>C on transcript NM_017433.5 (MANE Select); coding-DNA position 2513, A replaced by C.
Protein change: p.Tyr838Ser; replaces tyrosine 838 with serine.
Molecular consequence: missense variant.
Genome position (GRCh38, 1-based): chr10:26,147,437, A>C. VCF-style: chr10-26147437-A-C. GRCh37 (hg19) VCF-style: chr10-26436366-A-C.
Other names: short protein forms Y838S.
Identifiers: ClinVar variation 4879595 (VCV004879595.1).

ClinVar aggregate classification (germline): Uncertain significance (1 of 4 stars; one submission).

Conditions:
Hearing loss, autosomal dominant 90. Also called: Deafness, autosomal dominant 90. Identifiers: MedGen C5935579, MONDO:0958232, OMIM 620722.

Submission:

Victorian Clinical Genetics Services, Murdoch Childrens Research Institute
Classification: Uncertain significance for Hearing loss, autosomal dominant 90. Last evaluated: 2026-03-23. Review status: criteria provided, single submitter. Criteria: ACMG Guidelines, 2015. Collection method: clinical testing. Allele origin: germline. Affected: yes.
Comment: This variant is classified as VUS-3B. Evidence in support of pathogenic classification: Variant is absent from gnomAD (v2, v3 and v4); Missense variant predicted to be damaging by in silico tool(s) or highly conserved with a major amino acid change. Additional information: Variant is predicted to result in a missense amino acid change from Tyr to Ser; This variant is heterozygous; This gene is associated with both recessive and dominant disease. Autosomal recessive inheritance is associated with deafness 30 (MIM#607101), while deafness 90 (MIM#620722) follows autosomal dominant inheritance; however, there are limited reports of this (OMIM); Alternative amino acid change(s) at the same position are present in gnomAD (highest allele count: v4: 1 heterozygote(s), 0 homozygote(s)); This variant has no previous evidence of pathogenicity; No published evidence of segregation with disease has been identified for this variant; No published functional evidence has been identified for this variant; No comparable missense variants have previous evidence for pathogenicity; Variant is located in the annotated myosin head, motor domain (DECIPHER). - Loss of function is a known mechanism of disease in this gene and is associated with deafness, autosomal recessive 30 (MIM#607101). Dominant negative is the suspected mechanism of disease for autosomal dominant deafness 90 (MIM#620722), however this has not been clearly established (PMIDs: 34788109, 32519820); Variants in this gene are known to have variable expressivity. Variable age of onset has been observed, as well as varying degrees of deafness (OMIM); Inheritance information for this variant is not currently available in this individual.

Literature cited by the submitters: PubMed 34788109; PubMed 32519820.